The following is an entry in ClinVar:

ClinVar aggregate classification (germline): Uncertain significance (1 of 4 stars; one submission).

gnomAD v4.1: 2 of 1,518,188 alleles (0.00013%); highest among the groups gnomAD compares: Admixed American, 0.0018%; no homozygotes.

Submission:

Ambry Genetics
Classification: Uncertain significance. Last evaluated: 2026-03-17. Review status: criteria provided, single submitter. Criteria: Ambry Variant Classification Scheme 2023. Collection method: clinical testing. Allele origin: germline.
Comment: The p.P981S variant (also known as c.2941C>T), located in coding exon 11 of the WNK2 gene, results from a C to T substitution at nucleotide position 2941. The proline at codon 981 is replaced by serine, an amino acid with similar properties. This amino acid position is conserved. In addition, this alteration is predicted to be tolerated by in silico analysis. Based on the available evidence, the clinical significance of this variant remains unclear.

NM_006648.4(WNK2):c.2941C>T (p.Pro981Ser)

Gene: WNK2 (WNK lysine deficient protein kinase 2; plus strand). Cytogenetic location: 9q22.31.
Variant type: single nucleotide variant.
Coding change: c.2941C>T on transcript NM_006648.4 (MANE Select); coding-DNA position 2941, C replaced by T.
Protein change: p.Pro981Ser; replaces proline 981 with serine.
Molecular consequence: missense variant.
Genome position (GRCh38, 1-based): chr9:93,259,489, C>T. VCF-style: chr9-93259489-C-T. GRCh37 (hg19) VCF-style: chr9-96021771-C-T.
Other names: c.2941C>T, p.Pro981Ser (NM_001282394.3); short protein forms P981S.
Identifiers: ClinVar variation 4866519 (VCV004866519.1).